The following is an entry in ClinVar:

ClinVar aggregate classification (germline): Pathogenic/Likely pathogenic. Review status: criteria provided, multiple submitters, no conflicts (2 of 4 stars). 6 submissions from 6 submitters: Pathogenic (1); Likely pathogenic (3). 2 of the submissions do not count toward it. Last evaluated 2025-11-05.

Conditions:
Tay-Sachs disease (TSD). Also called: GM2 gangliosidosis, type 1; Hexosaminidase alpha-subunit deficiency (variant B); Sphingolipidosis, Tay-Sachs; Hexosaminidase A Deficiency; HEXA Disorders; HEXA DEFICIENCY. Identifiers: Orphanet 845, MedGen C0039373, MONDO:0010100, OMIM 272800.
HEXA-related disorder. Also called: HEXA-related condition.

Submissions (6):

Natera, Inc.
Classification: Likely pathogenic for Tay-Sachs disease. Last evaluated: 2025-11-05. Review status: criteria provided, single submitter. Criteria: Natera Variant Classification Schema (03/2026). Collection method: clinical testing. Allele origin: germline.
Comment: The c.1499delT variant in HEXA is a frameshift variant predicted to shift the reading frame beginning at codon 500 and leads to a stop codon 9 codons downstream. This variant is expected to result in nonsense mediated decay, truncation, or a dysfunctional protein product. This variant is rare in the general population with a frequency below the threshold expected for the associated phenotype(s). This variant has been observed in one or more individuals affected with the associated recessive disease, as either homozygous or compound heterozygous with a second variant (PMID: 28739864). Given the available evidence, this variant is classified as Likely Pathogenic.

Labcorp Genetics (formerly Invitae), Labcorp
Classification: Pathogenic for Tay-Sachs disease. Last evaluated: 2023-09-12. Review status: criteria provided, single submitter. Criteria: Invitae Variant Classification Sherloc (09022015). Collection method: clinical testing. Allele origin: germline.
Comment: This variant is not present in population databases (gnomAD no frequency). This sequence change creates a premature translational stop signal (p.Leu500Cysfs*9) in the HEXA gene. While this is not anticipated to result in nonsense mediated decay, it is expected to disrupt the last 30 amino acid(s) of the HEXA protein. For these reasons, this variant has been classified as Pathogenic. This variant disrupts a region of the HEXA protein in which other variant(s) (p.Leu517Profs*7) have been determined to be pathogenic (Invitae). This suggests that this is a clinically significant region of the protein, and that variants that disrupt it are likely to be disease-causing. ClinVar contains an entry for this variant (Variation ID: 619222). This premature translational stop signal has been observed in individual(s) with late-onset Tay–Sachs disease (PMID: 28739864).

Women's Health and Genetics/Laboratory Corporation of America, LabCorp
Classification: Likely pathogenic for Tay-Sachs disease. Last evaluated: 2023-01-30. Review status: criteria provided, single submitter. Criteria: LabCorp Variant Classification Summary - May 2015. Collection method: clinical testing. Allele origin: germline.
Comment: Variant summary: Variant summary: HEXA c.1499delT (p.Leu500CysfsX9) results in a premature termination codon, predicted to cause a truncation of the encoded protein or absence of the protein due to nonsense mediated decay, which are commonly known mechanisms for disease. Truncations downstream of this position have been classified as pathogenic by our laboratory. The variant allele was found at a frequency of 4e-06 in 251566 control chromosomes. These data indicate that the variant may be associated with disease. At least two publications report experimental evidence evaluating an impact on protein function. The most pronounced variant effect results in 28% and 52% of normal HEX A enzyme activity in the serum and WBC respectively of an obligate carrier (McGinniss_2002). Another study reports 15% of normal HEX A enzyme activity in WBC of an affected compound heterozygote individual (Barritt_2017). Three clinical diagnostic laboratory has submitted clinical-significance assessments for this variant to ClinVar after 2014 and all classified the variant as pathogenic/likely pathogenic. Based on the evidence outlined above, the variant was classified as likely pathogenic.

Fulgent Genetics
Classification: Likely pathogenic for Tay-Sachs disease. Last evaluated: 2021-08-27. Review status: criteria provided, single submitter. Criteria: ACMG Guidelines, 2015. Collection method: clinical testing. Allele origin: unknown.

PreventionGenetics, part of Exact Sciences
Classification: Pathogenic for HEXA-related condition. Last evaluated: 2024-02-01. Review status: no assertion criteria provided. Collection method: clinical testing. Allele origin: germline. Not counted in ClinVar's aggregate classification.
Comment: The HEXA c.1499delT variant is predicted to result in a frameshift and premature protein termination (p.Leu500Cysfs*9). This variant has been reported, along with the HEXA c.805GA (p.Gly269Ser) variant, in an individual with adult onset Tay-Sachs disease (Barritt et al. 2017. PubMed ID: 28739864). This variant is reported in 0.00088% of alleles in individuals of European (Non-Finnish) descent in gnomAD. Frameshift variants in HEXA are expected to be pathogenic. This variant is interpreted as pathogenic.

Sema4
Classification: Pathogenic for Tay-Sachs disease. Last evaluated: 2018-10-26. Review status: no assertion criteria provided. Collection method: clinical testing. Allele origin: unknown. Not counted in ClinVar's aggregate classification.

Literature cited by the submitters: PubMed 28739864 (cited by 3 submitters); PubMed 12180151 (cited by Women's Health and Genetics/Laboratory Corporation of America, LabCorp).

NM_000520.6(HEXA):c.1499del (p.Leu500fs)

Gene: HEXA (hexosaminidase subunit alpha; minus strand). Cytogenetic location: 15q23.
Variant type: Deletion.
Coding change: c.1499del on transcript NM_000520.6 (MANE Select); coding-DNA position 1499, one base deleted (T; older notation c.1499delT).
Protein change: p.Leu500fs; shifts the reading frame from leucine 500.
Molecular consequence: frameshift variant. On other transcripts: non-coding transcript variant (1).
Genome position (GRCh38, 1-based): chr15:72,345,473, A deleted on the plus strand (T on the coding strand, the reverse complement: HEXA is on the minus strand); the first of 3 consecutive A bases (chr15:72,345,473-72,345,475); deleting any one gives the same sequence. VCF-style (leftmost placement, unchanged base first): chr15-72345472-CA-C. GRCh37 (hg19) VCF-style: chr15-72637813-CA-C.
Other names: c.1532del, p.Leu511fs (NM_001318825.2); short protein forms L511fs, L500fs.
Identifiers: ClinVar variation 619222 (VCV000619222.18), dbSNP rs1567295184, ClinGen allele CA491111307.